The following is an entry in ClinVar:

ClinVar aggregate classification (germline): Pathogenic (1 of 4 stars; one submission).

Conditions:
Hepatic methionine adenosyltransferase deficiency. Also called: MAT I/III DEFICIENCY; Deficiency of methionine adenosyltransferase; Isolated Persistent Hypermethioninemia; Methionine adenosyltransferase deficiency. Identifiers: Orphanet 168598, MedGen C0268621, MeSH C564683, MONDO:0009607, OMIM 250850.

Submission:

Labcorp Genetics (formerly Invitae), Labcorp
Classification: Pathogenic for Hepatic methionine adenosyltransferase deficiency. Last evaluated: 2025-03-31. Review status: criteria provided, single submitter. Criteria: Invitae Variant Classification Sherloc (09022015). Collection method: clinical testing. Allele origin: germline.
Comment: This sequence change replaces isoleucine, which is neutral and non-polar, with asparagine, which is neutral and polar, at codon 87 of the MAT1A protein (p.Ile87Asn). This variant is not present in population databases (gnomAD no frequency). This missense change has been observed in individual(s) with clinical features of autosomal dominant hypermethioninemia (internal data). In at least one individual the variant was observed to be de novo. ClinVar contains an entry for this variant (Variation ID: 2839010). Invitae Evidence Modeling of protein sequence and biophysical properties (such as structural, functional, and spatial information, amino acid conservation, physicochemical variation, residue mobility, and thermodynamic stability) indicates that this missense variant is expected to disrupt MAT1A protein function with a positive predictive value of 80%. For these reasons, this variant has been classified as Pathogenic.

NM_000429.3(MAT1A):c.260T>A (p.Ile87Asn)

Gene: MAT1A (methionine adenosyltransferase 1A; minus strand). Cytogenetic location: 10q22.3.
Variant type: single nucleotide variant.
Coding change: c.260T>A on transcript NM_000429.3 (MANE Select); coding-DNA position 260, T replaced by A.
Protein change: p.Ile87Asn; replaces isoleucine 87 with asparagine.
Molecular consequence: missense variant.
Genome position (GRCh38, 1-based): chr10:80,283,948, A>T on the plus strand (T>A on the coding strand, the complement: MAT1A is on the minus strand). VCF-style: chr10-80283948-A-T. GRCh37 (hg19) VCF-style: chr10-82043704-A-T.
Other names: short protein forms I87N.
Identifiers: ClinVar variation 2839010 (VCV002839010.3), dbSNP rs1481783985, ClinGen allele CA377363468.
Genomic context (GRCh38, chr10:80,283,948, plus strand): 5'-GATTTCAGACCCGGAGGCCTGCCCTCACCCTTGGCTGAGTCATCGTAGCCGATGTGCTTG[A>T]TGGTGTCCCTCACCACCCGCTGGTAGTCCACCATGGCCATTGAGGTGATCTCACCACACA-3'
Protein context (NP_000420.1, residues 77-97): VDYQRVVRDT[Ile87Asn]KHIGYDDSAK